The following is an entry in ClinVar:

NC_000023.10:g.(?_32482693)_(32563461_?)del

Gene: DMD (dystrophin; minus strand). Cytogenetic location: Xp21.1.
Variant type: Deletion.
Identifiers: ClinVar variation 1075511 (VCV001075511.8).

ClinVar aggregate classification (germline): Pathogenic (1 of 4 stars; one submission).

Conditions:
Duchenne muscular dystrophy (DMD). Also called: MUSCULAR DYSTROPHY, PSEUDOHYPERTROPHIC PROGRESSIVE, DUCHENNE TYPE; Duchenne Muscular Dystrophy (DMD). Identifiers: Orphanet 98896, MedGen C0013264, MONDO:0010679, OMIM 310200.

Submission:

Labcorp Genetics (formerly Invitae), Labcorp
Classification: Pathogenic for Duchenne muscular dystrophy. Last evaluated: 2020-07-06. Review status: criteria provided, single submitter. Criteria: Invitae Variant Classification Sherloc (09022015). Collection method: clinical testing. Allele origin: germline.
Comment: This variant is an in-frame deletion of the genomic region encompassing exon(s) 17-24 of the DMD gene. It preserves the integrity of the reading frame. A similar copy number variant has been observed in individual(s) with Duchenne muscular dystrophy (PMID: 22776072). The region of the DMD gene that includes exon(s) 17-18 has been determined to be clinically significant (PMID: 25007885). Therefore, deletions that encompass that region are likely to disrupt protein function and cause disease. For these reasons, this variant has been classified as Pathogenic.

Literature cited by the submitters: PubMed 22776072; PubMed 25007885.